The following is an entry in ClinVar:

ClinVar aggregate classification (germline): Uncertain significance (1 of 4 stars; one submission).

Allele frequency attached by ClinVar (database versions not stated): ExAC 0.00001; gnomAD exomes 0.00004; ESP Exome Variant Server 0.00008.
gnomAD v4.1: 63 of 1,613,972 alleles (0.0039%); highest among the groups gnomAD compares: Non-Finnish European, 0.005%; no homozygotes.

Submission:

Labcorp Genetics (formerly Invitae), Labcorp
Classification: Uncertain significance. Last evaluated: 2022-06-10. Review status: criteria provided, single submitter. Criteria: Invitae Variant Classification Sherloc (09022015). Collection method: clinical testing. Allele origin: germline.
Comment: This sequence change replaces glutamine, which is neutral and polar, with histidine, which is basic and polar, at codon 196 of the PLVAP protein (p.Gln196His). This variant is present in population databases (rs367726351, gnomAD 0.003%). This variant has not been reported in the literature in individuals affected with PLVAP-related conditions. Algorithms developed to predict the effect of missense changes on protein structure and function are either unavailable or do not agree on the potential impact of this missense change (SIFT: "Tolerated"; PolyPhen-2: "Probably Damaging"; Align-GVGD: "Class C0"). In summary, the available evidence is currently insufficient to determine the role of this variant in disease. Therefore, it has been classified as a Variant of Uncertain Significance.

NM_031310.3(PLVAP):c.588G>T (p.Gln196His)

Gene: PLVAP (plasmalemma vesicle associated protein; minus strand). Cytogenetic location: 19p13.11.
Variant type: single nucleotide variant.
Coding change: c.588G>T on transcript NM_031310.3 (MANE Select); coding-DNA position 588, G replaced by T.
Protein change: p.Gln196His; replaces glutamine 196 with histidine.
Molecular consequence: missense variant.
Genome position (GRCh38, 1-based): chr19:17,365,877, C>A on the plus strand (G>T on the coding strand, the complement: PLVAP is on the minus strand). VCF-style: chr19-17365877-C-A. GRCh37 (hg19) VCF-style: chr19-17476686-C-A.
Other names: short protein forms Q196H.
Identifiers: ClinVar variation 2177983 (VCV002177983.1), dbSNP rs367726351, ClinGen allele CA9294005.
Genomic context (GRCh38, chr19:17,365,877, plus strand): 5'-CTCCTTGGCCAGCTGGCGCTCTTGGTGCTGCAGCTCCCGGGTTTTCACGCATTCAACCAG[C>A]TGTTCCTCCGCCACGCGTTTGTTCAGCAGCACGCTTTCCTTATCCTTAGTGCAAATGGTC-3'
Protein context (NP_112600.1, residues 186-206): VLLNKRVAEE[Gln196His]LVECVKTREL